The following is an entry in ClinVar:

NM_182961.4(SYNE1):c.19636C>T (p.Arg6546Cys)

Gene: SYNE1 (spectrin repeat containing nuclear envelope protein 1; minus strand). Cytogenetic location: 6q25.2.
Variant type: single nucleotide variant.
Coding change: c.19636C>T on transcript NM_182961.4 (MANE Select); coding-DNA position 19636, C replaced by T.
Protein change: p.Arg6546Cys; replaces arginine 6546 with cysteine.
Molecular consequence: missense variant.
Genome position (GRCh38, 1-based): chr6:152,244,593, G>A on the plus strand (C>T on the coding strand, the complement: SYNE1 is on the minus strand). VCF-style: chr6-152244593-G-A. GRCh37 (hg19) VCF-style: chr6-152565728-G-A.
Other names: c.19423C>T, p.Arg6475Cys (NM_033071.5); short protein forms R6546C, R6475C.
Identifiers: ClinVar variation 642456 (VCV000642456.9), dbSNP rs369420729, ClinGen allele CA4054624.
Genomic context (GRCh38, chr6:152,244,593, plus strand): 5'-GCACCTGGAGCTTGGAGAGTTCTTGCATGGACGGCTGCTCGACCTGTAGCTTGTCACCAC[G>A]CCTCTTTAATTCAATGATTCCTGCATCAAATTCTTTGAGTCCATCTTCAGCCTGTTGTAT-3'
Protein context (NP_892006.3, residues 6536-6556): FDAGIIELKR[Arg6546Cys]GDKLQVEQPS

ClinVar aggregate classification (germline): Uncertain significance (1 of 4 stars; one submission).

Conditions:
Autosomal recessive ataxia, Beauce type. Also called: Spinocerebellar ataxia, autosomal recessive 8; ATAXIA, RECESSIVE, OF BEAUCE; SYNE1 Deficiency; SYNE1-Related Autosomal Recessive Cerebellar Ataxia. Identifiers: Orphanet 88644, MedGen C1853116, MONDO:0012549, OMIM 610743.
Emery-Dreifuss muscular dystrophy 4, autosomal dominant (EDMD4). Also called: EMERY-DREIFUSS MUSCULAR DYSTROPHY 4 WITH VARIABLE FEATURES. Identifiers: Orphanet 261, MedGen C2751807, MONDO:0013071, OMIM 612998.

Allele frequency attached by ClinVar (database versions not stated): ExAC 0.00001; gnomAD 0.00001; gnomAD exomes 0.00001; TOPMed 0.00002; ESP Exome Variant Server 0.00008.
gnomAD v4.1: 21 of 1,613,906 alleles (0.0013%); highest among the groups gnomAD compares: Admixed American, 0.0017%; no homozygotes.

Submission:

Labcorp Genetics (formerly Invitae), Labcorp
Classification: Uncertain significance for Emery-Dreifuss muscular dystrophy 4, autosomal dominant; Autosomal recessive ataxia, Beauce type. Last evaluated: 2025-06-30. Review status: criteria provided, single submitter. Criteria: Invitae Variant Classification Sherloc (09022015). Collection method: clinical testing. Allele origin: germline.
Comment: This sequence change replaces arginine, which is basic and polar, with cysteine, which is neutral and slightly polar, at codon 6475 of the SYNE1 protein (p.Arg6475Cys). The frequency data for this variant in the population databases is considered unreliable, as metrics indicate poor data quality at this position in the gnomAD database. This variant has not been reported in the literature in individuals affected with SYNE1-related conditions. ClinVar contains an entry for this variant (Variation ID: 642456). An algorithm developed to predict the effect of missense changes on protein structure and function (PolyPhen-2) suggests that this variant is likely to be disruptive. In summary, the available evidence is currently insufficient to determine the role of this variant in disease. Therefore, it has been classified as a Variant of Uncertain Significance.